The following is an entry in ClinVar:

NM_001127511.3(APC):c.-194A>C

Genes: APC (APC regulator of Wnt signaling pathway; plus strand), LOC129994371 (ATAC-STARR-seq lymphoblastoid active region 22910; plus strand). Cytogenetic location: 5q22.2.
Variant type: single nucleotide variant.
Coding change: c.-194A>C on transcript NM_001127511.3; 194 bases upstream of the start codon, A replaced by C.
Molecular consequence: 5 prime UTR variant. On other transcripts: non-coding transcript variant (2).
Genome position (GRCh38, 1-based): chr5:112,707,524, A>C. VCF-style: chr5-112707524-A-C. GRCh37 (hg19) VCF-style: chr5-112043221-A-C.
Other names: c.-377A>C (NM_001354895.2, NM_001407447.1, NM_001407452.1 and 3 more transcripts); c.-194A>C (NM_001354897.2, NM_001354902.2, NM_001407446.1); c.-144A>C (NM_001407448.1, NM_001407450.1, NM_001407457.1 and 1 more transcripts); c.-168A>C (NM_001407453.1); c.-1412A>C (NM_001407470.1, NM_001407472.1).
Identifiers: ClinVar variation 3669177 (VCV003669177.2).

ClinVar aggregate classification (germline): Uncertain significance (1 of 4 stars; one submission).

Conditions:
Familial adenomatous polyposis 1 (FAP1). Also called: FAMILIAL ADENOMATOUS POLYPOSIS 1, ATTENUATED; POLYPOSIS, ADENOMATOUS INTESTINAL. Identifiers: MedGen C2713442, MONDO:0021056, OMIM 175100. Disease mechanism: loss of function.

Submission:

Labcorp Genetics (formerly Invitae), Labcorp
Classification: Uncertain significance for Familial adenomatous polyposis 1. Last evaluated: 2024-07-16. Review status: criteria provided, single submitter. Criteria: Invitae Variant Classification Sherloc (09022015). Collection method: clinical testing. Allele origin: germline.
Comment: This variant occurs in a non-coding region of the APC gene. It does not change the encoded amino acid sequence of the APC protein. This variant is not present in population databases (gnomAD no frequency). This variant has not been reported in the literature in individuals affected with APC-related conditions. Experimental studies and prediction algorithms are not available or were not evaluated, and the functional significance of this variant is currently unknown. In summary, the available evidence is currently insufficient to determine the role of this variant in disease. Therefore, it has been classified as a Variant of Uncertain Significance.